The following is an entry in ClinVar:

ClinVar aggregate classification (germline): Likely pathogenic (0 of 4 stars; one submission).

Conditions:
Congenital myasthenic syndrome 14. Also called: Myasthenic syndrome, congenital, 14, with tubular aggregates. Identifiers: Orphanet 353327, Orphanet 590, MedGen C4015597, MONDO:0014543, OMIM 616228.

Allele frequency attached by ClinVar (database versions not stated): TOPMed below 0.00001.
gnomAD v4.1: 2 of 1,614,178 alleles (0.00012%); highest among the groups gnomAD compares: Non-Finnish European, 0.00017%; no homozygotes.

Submission:

Payam Genetics Center, General Welfare Department of North Khorasan Province
Classification: Likely pathogenic for Congenital myasthenic syndrome 14. Last evaluated: 2023-03-01. Review status: no assertion criteria provided. Collection method: clinical testing. Allele origin: germline. Affected: yes. Observed: 1 variant allele.
Comment: The ALG2 c.1193T>C(p.Phe398Ser) results is a missense mutation and results at the protein level is a dysfunctional protein, predicted lead to disease. This variant is not present in population databases (ExAC no frequency) and was not found in 1000G, Genom AD exome, genome and Iranom. This variant has not been reported in the literature in individuals affected with ALG2-related conditions . We classified this variant as Pathogenic according to the our clinical evidence from this patient.

NM_033087.4(ALG2):c.1193T>C (p.Phe398Ser)

Gene: ALG2 (ALG2 alpha-1,3/1,6-mannosyltransferase; minus strand). Cytogenetic location: 9q22.33.
Variant type: single nucleotide variant.
Coding change: c.1193T>C on transcript NM_033087.4 (MANE Select); coding-DNA position 1193, T replaced by C.
Protein change: p.Phe398Ser; replaces phenylalanine 398 with serine.
Molecular consequence: missense variant. On other transcripts: non-coding transcript variant (1).
Genome position (GRCh38, 1-based): chr9:99,217,992, A>G on the plus strand (T>C on the coding strand, the complement: ALG2 is on the minus strand). VCF-style: chr9-99217992-A-G. GRCh37 (hg19) VCF-style: chr9-101980274-A-G.
Other names: short protein forms F398S.
Identifiers: ClinVar variation 2498382 (VCV002498382.2), dbSNP rs1828723159, ClinGen allele CA374224954.
Genomic context (GRCh38, chr9:99,217,992, plus strand): 5'-GATTATACCAGCAGTTTGGTAACATATCGGTAGAGCTGTTCTGTAAATGCTTCAGGGGAA[A>G]ATTTTTCCTTCACTCTGGCTCTTCCAGCCAGGCCCATGGTGGCTTTTAAGGAAGGTTCAC-3'
Protein context (NP_149078.1, residues 388-408): LAGRARVKEK[Phe398Ser]SPEAFTEQLY